The following is an entry in ClinVar:

ClinVar aggregate classification (germline): Conflicting classifications of pathogenicity. Review status: criteria provided, conflicting classifications (1 of 4 stars). 3 submissions from 3 submitters: Uncertain significance (1); Benign (1); Likely benign (1). Last evaluated 2026-02-01.

Conditions:
Achromatopsia 2 (ACHM2). Also called: ROD MONOCHROMACY 2; ROD MONOCHROMATISM 2; COLORBLINDNESS, TOTAL. Identifiers: Orphanet 49382, MedGen C1857618, MONDO:0009003, OMIM 216900.

Allele frequency attached by ClinVar (database versions not stated): TOPMed 0.00050; ESP Exome Variant Server 0.00054; 1000 Genomes Project 0.00060; 1000 Genomes Project 30x 0.00062; ExAC 0.00088; gnomAD exomes 0.00102.

Submissions (3):

Labcorp Genetics (formerly Invitae), Labcorp
Classification: Benign. Last evaluated: 2026-02-01. Review status: criteria provided, single submitter. Criteria: Invitae Variant Classification Sherloc (09022015). Collection method: clinical testing. Allele origin: germline.

CeGaT Center for Human Genetics Tuebingen
Classification: Likely benign. Last evaluated: 2024-08-01. Review status: criteria provided, single submitter. Criteria: CeGaT Center For Human Genetics Tuebingen Variant Classification Criteria Version 2. Collection method: clinical testing. Allele origin: germline. Affected: yes. Observed: 1 variant allele.
Comment: CNGA3: BP4, BP7

Illumina Laboratory Services, Illumina
Classification: Uncertain significance for Achromatopsia 2. Last evaluated: 2018-01-12. Review status: criteria provided, single submitter. Criteria: ICSL Variant Classification Criteria 13 December 2019. Collection method: clinical testing. Allele origin: germline.

NM_001298.3(CNGA3):c.1767C>T (p.Thr589=)

Gene: CNGA3 (cyclic nucleotide gated channel subunit alpha 3; plus strand). Cytogenetic location: 2q11.2.
Variant type: single nucleotide variant.
Coding change: c.1767C>T on transcript NM_001298.3 (MANE Select); coding-DNA position 1767, C replaced by T.
Protein change: p.Thr589=; no amino-acid change (threonine 589 retained).
Molecular consequence: synonymous variant.
Genome position (GRCh38, 1-based): chr2:98,396,937, C>T. VCF-style: chr2-98396937-C-T. GRCh37 (hg19) VCF-style: chr2-99013400-C-T.
Other names: c.1713C>T, p.Thr571= (NM_001079878.2).
Identifiers: ClinVar variation 896797 (VCV000896797.28), dbSNP rs137950660, ClinGen allele CA1794086.
Genomic context (GRCh38, chr2:98,396,937, plus strand): 5'-CAGCATTGGCTACTCAGACCTGTTCTGCCTCTCAAAGGACGATCTCATGGAGGCCCTCAC[C>T]GAGTACCCCGAAGCCAAGAAGGCCCTGGAGGAGAAAGGACGGCAGATCCTGATGAAAGAC-3'
Protein context (NP_001289.1, residues 579-599): LSKDDLMEAL[Thr589=]EYPEAKKALE